The following is an entry in ClinVar:

ClinVar aggregate classification (germline): Uncertain significance (1 of 4 stars; one submission).

Conditions:
Hypertrophic cardiomyopathy 14. Identifiers: MedGen C2750467, MONDO:0013197, OMIM 613251.

gnomAD v4.1: 1 of 1,614,102 alleles (0.000062%); highest among the groups gnomAD compares: Non-Finnish European, 0.000085%; no homozygotes.

Submission:

Labcorp Genetics (formerly Invitae), Labcorp
Classification: Uncertain significance for Hypertrophic cardiomyopathy 14. Last evaluated: 2022-05-09. Review status: criteria provided, single submitter. Criteria: Invitae Variant Classification Sherloc (09022015). Collection method: clinical testing. Allele origin: germline.
Comment: This variant has not been reported in the literature in individuals affected with MYH6-related conditions. This variant is not present in population databases (gnomAD no frequency). This sequence change falls in intron 31 of the MYH6 gene. It does not directly change the encoded amino acid sequence of the MYH6 protein. Algorithms developed to predict the effect of sequence changes on RNA splicing suggest that this variant may disrupt the consensus splice site. In summary, the available evidence is currently insufficient to determine the role of this variant in disease. Therefore, it has been classified as a Variant of Uncertain Significance.

NM_002471.4(MYH6):c.4526-9G>A

Gene: MYH6 (myosin heavy chain 6; minus strand). Cytogenetic location: 14q11.2.
Variant type: single nucleotide variant.
Coding change: c.4526-9G>A on transcript NM_002471.4 (MANE Select); 9 bases into the intron before coding-DNA position 4526, G replaced by A.
Molecular consequence: intron variant.
Genome position (GRCh38, 1-based): chr14:23,387,662, C>T on the plus strand (G>A on the coding strand, the complement: MYH6 is on the minus strand). VCF-style: chr14-23387662-C-T. GRCh37 (hg19) VCF-style: chr14-23856871-C-T.
Identifiers: ClinVar variation 2135787 (VCV002135787.4), dbSNP rs201785356, ClinGen allele CA2580087939.